The following is an entry in ClinVar:

NM_003839.4(TNFRSF11A):c.1519G>A (p.Ala507Thr)

Gene: TNFRSF11A (TNF receptor superfamily member 11a; plus strand). Cytogenetic location: 18q21.33.
Variant type: single nucleotide variant.
Coding change: c.1519G>A on transcript NM_003839.4 (MANE Select); coding-DNA position 1519, G replaced by A.
Protein change: p.Ala507Thr; replaces alanine 507 with threonine.
Molecular consequence: missense variant. On other transcripts: intron variant (3).
Genome position (GRCh38, 1-based): chr18:62,369,436, G>A. VCF-style: chr18-62369436-G-A. GRCh37 (hg19) VCF-style: chr18-60036669-G-A.
Other names: c.1477G>A, p.Ala493Thr (NM_001278268.2); c.783+2676G>A (NM_001270949.2); c.730+7643G>A (NM_001270950.2); c.616+9387G>A (NM_001270951.2); short protein forms A507T, A493T.
Identifiers: ClinVar variation 327737 (VCV000327737.46), dbSNP rs61751992, ClinGen allele CA8983979.
Genomic context (GRCh38, chr18:62,369,436, plus strand): 5'-ACGGAGGCCAGAGACCAGCCCGAGGATGGGGCTGATGGGAGGCTCCCAAGCTCAGCGAGG[G>A]CAGGTGCCGGGTCTGGAAGCTCCCCTGGTGGCCAGTCCCCTGCATCTGGTAAGTGACTTC-3'
Protein context (NP_003830.1, residues 497-517): ADGRLPSSAR[Ala507Thr]GAGSGSSPGG

ClinVar aggregate classification (germline): Benign/Likely benign. Review status: criteria provided, multiple submitters, no conflicts (2 of 4 stars). 5 submissions from 5 submitters: Benign (1); Likely benign (2). 2 of the submissions do not count toward it. Last evaluated 2026-02-01.

Allele frequency attached by ClinVar (database versions not stated): 1000 Genomes Project 0.00300; 1000 Genomes Project 30x 0.00328; ESP Exome Variant Server 0.00436; TOPMed 0.00488; gnomAD 0.00589 and 0.00618; gnomAD exomes 0.00628; ExAC 0.00630.

Submissions (5):

Labcorp Genetics (formerly Invitae), Labcorp
Classification: Benign. Last evaluated: 2026-02-01. Review status: criteria provided, single submitter. Criteria: Invitae Variant Classification Sherloc (09022015). Collection method: clinical testing. Allele origin: germline.

CeGaT Center for Human Genetics Tuebingen
Classification: Likely benign. Last evaluated: 2025-04-01. Review status: criteria provided, single submitter. Criteria: CeGaT Center For Human Genetics Tuebingen Variant Classification Criteria Version 2. Collection method: clinical testing. Allele origin: germline. Affected: yes. Observed: 10 variant alleles.
Comment: TNFRSF11A: BP4, BS2

Breakthrough Genomics
Classification: Likely benign. Review status: criteria provided, single submitter. Criteria: ACMG Guidelines, 2015. Collection method: not provided. Allele origin: germline. Inheritance: Autosomal recessive inheritance. Affected: yes.

Genome Diagnostics Laboratory, University Medical Center Utrecht
Classification: Likely benign. Review status: no assertion criteria provided. Collection method: clinical testing. Allele origin: germline. Affected: yes. Study: VKGL Data-share Consensus. Not counted in ClinVar's aggregate classification.

Laboratory of Diagnostic Genome Analysis, Leiden University Medical Center (LUMC)
Classification: Likely benign. Review status: no assertion criteria provided. Collection method: clinical testing. Allele origin: germline. Affected: yes. Study: VKGL Data-share Consensus. Not counted in ClinVar's aggregate classification.